The following is an entry in ClinVar:

NM_017849.4(TMEM127):c.328dup (p.Ala110fs)

Gene: TMEM127 (transmembrane protein 127; minus strand). Cytogenetic location: 2q11.2.
Variant type: Duplication.
Coding change: c.328dup on transcript NM_017849.4 (MANE Select); coding-DNA position 328, one base duplicated (G; older notation c.328dupG).
Protein change: p.Ala110fs; shifts the reading frame from alanine 110.
Molecular consequence: frameshift variant.
Genome position (GRCh38, 1-based): chr2:96,254,914, C duplicated on the plus strand (G on the coding strand, the reverse complement: TMEM127 is on the minus strand). VCF-style (leftmost placement, unchanged base first): chr2-96254913-G-GC. GRCh37 (hg19) VCF-style: chr2-96920651-G-GC.
Other names: c.328dup, p.Ala110fs (NM_001193304.3); c.76dup, p.Ala26Glyfs (NM_001407282.1, NM_001407283.1); c.328dupG (NM_017849.3); short protein forms A110fs.
Identifiers: ClinVar variation 1729830 (VCV001729830.2), dbSNP rs2467266399, ClinGen allele CA2580068332.

ClinVar aggregate classification (germline): Pathogenic (1 of 4 stars; one submission).

Conditions:
Hereditary cancer-predisposing syndrome. Also called: Neoplastic Syndromes, Hereditary; Tumor predisposition; Hereditary Cancer Syndrome; Hereditary neoplastic syndrome. Identifiers: Orphanet 140162, MedGen C0027672, MeSH D009386, MONDO:0015356.

Submission:

Ambry Genetics
Classification: Pathogenic for Hereditary cancer-predisposing syndrome. Last evaluated: 2021-03-30. Review status: criteria provided, single submitter. Criteria: Ambry Variant Classification Scheme 2023. Collection method: clinical testing. Allele origin: germline.
Comment: The c.328dupG pathogenic mutation, located in coding exon 2 of the TMEM127 gene, results from a duplication of G at nucleotide position 328, causing a translational frameshift with a predicted alternate stop codon (p.A110Gfs*43). This alteration occurs at the 3' terminus of TMEM127 gene, is not expected to trigger nonsense-mediated mRNA decay, and impacts the last 54% of the protein. However, premature stop codons are typically deleterious in nature and a significant portion of the protein is affected (Ambry internal data). Based on the supporting evidence, this alteration is interpreted as a disease-causing mutation.